The following is an entry in ClinVar:

ClinVar aggregate classification (germline): Uncertain significance. Review status: criteria provided, multiple submitters, no conflicts (2 of 4 stars). 3 submissions from 3 submitters: Uncertain significance (3). Last evaluated 2022-09-15.

Conditions:
Hereditary cancer-predisposing syndrome. Also called: Neoplastic Syndromes, Hereditary; Hereditary Cancer Syndrome; Tumor predisposition; Hereditary neoplastic syndrome. Identifiers: Orphanet 140162, MedGen C0027672, MeSH D009386, MONDO:0015356.
Birt-Hogg-Dube syndrome. Also called: Birt Hogg Dubé syndrome. Identifiers: Orphanet 122, MedGen C0346010, MONDO:0800444.

Allele frequency attached by ClinVar (database versions not stated): gnomAD exomes 0.00001.
gnomAD v4.1: 4 of 1,614,214 alleles (0.00025%); highest among the groups gnomAD compares: East Asian, 0.0089%; no homozygotes.

Submissions (3):

Ambry Genetics
Classification: Uncertain significance for Hereditary cancer-predisposing syndrome. Last evaluated: 2022-09-15. Review status: criteria provided, single submitter. Criteria: Ambry Variant Classification Scheme 2023. Collection method: clinical testing. Allele origin: germline.
Comment: The p.V466A variant (also known as c.1397T>C), located in coding exon 9 of the FLCN gene, results from a T to C substitution at nucleotide position 1397. The valine at codon 466 is replaced by alanine, an amino acid with similar properties. This alteration has been identified in an individual with colorectal cancer (DeRycke MS et al. Mol Genet Genomic Med, 2017 Sep;5:553-569). This amino acid position is highly conserved in available vertebrate species. In addition, the in silico prediction for this alteration is inconclusive. Since supporting evidence is limited at this time, the clinical significance of this alteration remains unclear.

Labcorp Genetics (formerly Invitae), Labcorp
Classification: Uncertain significance for Birt-Hogg-Dube syndrome. Last evaluated: 2022-03-14. Review status: criteria provided, single submitter. Criteria: Invitae Variant Classification Sherloc (09022015). Collection method: clinical testing. Allele origin: germline.
Comment: In summary, the available evidence is currently insufficient to determine the role of this variant in disease. Therefore, it has been classified as a Variant of Uncertain Significance. Algorithms developed to predict the effect of missense changes on protein structure and function (SIFT, PolyPhen-2, Align-GVGD) all suggest that this variant is likely to be tolerated. ClinVar contains an entry for this variant (Variation ID: 1321119). This variant has not been reported in the literature in individuals affected with FLCN-related conditions. This variant is not present in population databases (gnomAD no frequency). This sequence change replaces valine, which is neutral and non-polar, with alanine, which is neutral and non-polar, at codon 466 of the FLCN protein (p.Val466Ala).

GeneDx
Classification: Uncertain significance. Last evaluated: 2020-10-05. Review status: criteria provided, single submitter. Criteria: GeneDx Variant Classification Process June 2021. Collection method: clinical testing. Allele origin: germline. Affected: yes.
Comment: Not observed in large population cohorts (Lek et al., 2016); In silico analysis supports that this missense variant does not alter protein structure/function; Has not been previously published as pathogenic or benign to our knowledge

Literature cited by the submitters: PubMed 28944238 (cited by Ambry Genetics).

NM_144997.7(FLCN):c.1397T>C (p.Val466Ala)

Gene: FLCN (folliculin; minus strand). Cytogenetic location: 17p11.2.
Variant type: single nucleotide variant.
Coding change: c.1397T>C on transcript NM_144997.7 (MANE Select); coding-DNA position 1397, T replaced by C.
Protein change: p.Val466Ala; replaces valine 466 with alanine.
Molecular consequence: missense variant.
Genome position (GRCh38, 1-based): chr17:17,215,220, A>G on the plus strand (T>C on the coding strand, the complement: FLCN is on the minus strand). VCF-style: chr17-17215220-A-G. GRCh37 (hg19) VCF-style: chr17-17118534-A-G.
Other names: c.1451T>C, p.Val484Ala (NM_001353229.2); c.1397T>C, p.Val466Ala (NM_001353230.2, NM_001353231.2); short protein forms V466A, V484A.
Identifiers: ClinVar variation 1321119 (VCV001321119.11), dbSNP rs1473423234, ClinGen allele CA398531199.